The following is an entry in ClinVar:

ClinVar aggregate classification (germline): Uncertain significance. Review status: criteria provided, multiple submitters, no conflicts (2 of 4 stars). 3 submissions from 3 submitters: Uncertain significance (3). Last evaluated 2025-11-06.

Conditions:
Spondyloepimetaphyseal dysplasia with joint laxity, type 3. Also called: EXOC6B-Related Spondyloepimetaphyseal Dysplasia with Joint Laxity. Identifiers: Orphanet 642085, MedGen C5193073, MONDO:0032724, OMIM 618395.

Allele frequency attached by ClinVar (database versions not stated): gnomAD 0.00001; ExAC 0.00009.
gnomAD v4.1: 29 of 1,608,570 alleles (0.0018%); highest among the groups gnomAD compares: South Asian, 0.026%; no homozygotes.

Submissions (3):

Ambry Genetics
Classification: Uncertain significance. Last evaluated: 2025-11-06. Review status: criteria provided, single submitter. Criteria: Ambry Variant Classification Scheme 2023. Collection method: clinical testing. Allele origin: germline.

Labcorp Genetics (formerly Invitae), Labcorp
Classification: Uncertain significance. Last evaluated: 2025-08-04. Review status: criteria provided, single submitter. Criteria: Invitae Variant Classification Sherloc (09022015). Collection method: clinical testing. Allele origin: germline.
Comment: This sequence change replaces proline, which is neutral and non-polar, with serine, which is neutral and polar, at codon 495 of the EXOC6B protein (p.Pro495Ser). This variant is present in population databases (rs770640090, gnomAD 0.05%). This variant has not been reported in the literature in individuals affected with EXOC6B-related conditions. ClinVar contains an entry for this variant (Variation ID: 2900558). Experimental studies and prediction algorithms are not available or were not evaluated, and the functional significance of this variant is currently unknown. In summary, the available evidence is currently insufficient to determine the role of this variant in disease. Therefore, it has been classified as a Variant of Uncertain Significance.

Revvity Omics, Revvity
Classification: Uncertain significance for Spondyloepimetaphyseal dysplasia with joint laxity, type 3. Last evaluated: 2024-04-10. Review status: criteria provided, single submitter. Criteria: ACMG Guidelines, 2015. Collection method: clinical testing. Allele origin: germline.

NM_015189.3(EXOC6B):c.1483C>T (p.Pro495Ser)

Gene: EXOC6B (exocyst complex component 6B; minus strand). Cytogenetic location: 2p13.2.
Variant type: single nucleotide variant.
Coding change: c.1483C>T on transcript NM_015189.3 (MANE Select); coding-DNA position 1483, C replaced by T.
Protein change: p.Pro495Ser; replaces proline 495 with serine.
Molecular consequence: missense variant. On other transcripts: non-coding transcript variant (2).
Genome position (GRCh38, 1-based): chr2:72,495,500, G>A on the plus strand (C>T on the coding strand, the complement: EXOC6B is on the minus strand). VCF-style: chr2-72495500-G-A. GRCh37 (hg19) VCF-style: chr2-72722629-G-A.
Other names: c.1483C>T, p.Pro495Ser (NM_001321729.2, NM_001321730.2, NM_001321731.2 and 1 more transcripts); c.1144C>T, p.Pro382Ser (NM_001321734.2); c.1483C>T (NM_015189.1); short protein forms P382S, P495S.
Identifiers: ClinVar variation 2900558 (VCV002900558.5), dbSNP rs770640090, ClinGen allele CA1708441.
Genomic context (GRCh38, chr2:72,495,500, plus strand): 5'-GATCTTCTGAAAACTTCAGACAAGCGTAGATAAATTCTTTAATTTGGTTGTAAACTTTTG[G>A]CACAAATTCAGAGAAAGGAAACTTTTTTGGAAATGGTTGCTGTAAATGCAAGAAGTAATG-3'
Protein context (NP_056004.1, residues 485-505): PKKFPFSEFV[Pro495Ser]KVYNQIKEFI